The following is an entry in ClinVar:

ClinVar aggregate classification (germline): Likely benign (1 of 4 stars; one submission).

Submission:

Women's Health and Genetics/Laboratory Corporation of America, LabCorp
Classification: Likely benign. Last evaluated: 2026-06-12. Review status: criteria provided, single submitter. Criteria: LabCorp Variant Classification Summary - May 2015. Collection method: clinical testing. Allele origin: germline.
Comment: Variant summary: HSD17B10 c.486+14_486+15delinsTT alters a non-conserved nucleotide located at a position not widely known to affect splicing. Consensus agreement among computation tools predict no significant impact on normal splicing. However, these predictions have yet to be confirmed by functional studies. The frequency data for this variant in gnomAD is considered unreliable, as metrics indicate poor data quality at this position. To our knowledge, no occurrence of c.486+14_486+15delinsTT in individuals affected with HSD17B10-related conditions and no experimental evidence demonstrating its impact on protein function have been reported. No submitters have cited clinical-significance assessments for this variant to ClinVar. Based on the evidence outlined above, the variant was classified as likely benign.

NM_004493.3(HSD17B10):c.486+14_486+15delinsTT

Gene: HSD17B10 (hydroxysteroid 17-beta dehydrogenase 10; minus strand). Cytogenetic location: Xp11.22.
Variant type: Indel.
Coding change: c.486+14_486+15delinsTT on transcript NM_004493.3 (MANE Select); bases 14 to 15 of the intron after coding-DNA position 486, GG replaced by TT.
Molecular consequence: intron variant.
Genome position (GRCh38, 1-based): chrX:53,431,973-53,431,974, CC replaced by AA on the plus strand (GG replaced by TT on the coding strand, the reverse complement: HSD17B10 is on the minus strand). VCF-style: chrX-53431973-CC-AA. GRCh37 (hg19) VCF-style: chrX-53458921-CC-AA.
Other names: c.486+14_486+15delinsTT (NM_001037811.2).
Identifiers: ClinVar variation 4887305 (VCV004887305.1).